The following is an entry in ClinVar:

NM_000180.4(GUCY2D):c.340G>T (p.Val114Leu)

Gene: GUCY2D (guanylate cyclase 2D, retinal; plus strand). Cytogenetic location: 17p13.1.
Variant type: single nucleotide variant.
Coding change: c.340G>T on transcript NM_000180.4 (MANE Select); coding-DNA position 340, G replaced by T.
Protein change: p.Val114Leu; replaces valine 114 with leucine.
Molecular consequence: missense variant.
Genome position (GRCh38, 1-based): chr17:8,003,387, G>T. VCF-style: chr17-8003387-G-T. GRCh37 (hg19) VCF-style: chr17-7906705-G-T.
Other names: short protein forms V114L.
Identifiers: ClinVar variation 1451067 (VCV001451067.6), dbSNP rs1240857882, ClinGen allele CA397943223.
Genomic context (GRCh38, chr17:8,003,387, plus strand): 5'-CCCCGCTTCGAGGTAGCGCTGCTGCCCGAGCCTTGCCGGACGCCGGGCTCGCTGGGGGCC[G>T]TGTCCTCCGCGCTGGCCCGCGTGTCGGGCCTCGTGGGTCCGGTGAACCCTGCGGCCTGCC-3'
Protein context (NP_000171.1, residues 104-124): PCRTPGSLGA[Val114Leu]SSALARVSGL

ClinVar aggregate classification (germline): Uncertain significance (1 of 4 stars; one submission).

Conditions:
Cone-rod dystrophy 6 (CORD6). Also called: RETINAL CONE DYSTROPHY 2; Cone dystrophy progressive. Identifiers: Orphanet 1872, MedGen C1866293, MONDO:0011143, OMIM 601777.
Leber congenital amaurosis 1 (LCA1). Also called: AMAUROSIS CONGENITA OF LEBER I; Congenital absence of the rods and cones; Leber's congenital tapetoretinal degeneration; Leber's congenital tapetoretinal dysplasia; RETINAL BLINDNESS, CONGENITAL. Identifiers: Orphanet 65, MedGen C2931258, MONDO:0008764, OMIM 204000.

Submission:

Labcorp Genetics (formerly Invitae), Labcorp
Classification: Uncertain significance for Leber congenital amaurosis 1; Cone-rod dystrophy 6. Last evaluated: 2022-10-25. Review status: criteria provided, single submitter. Criteria: Invitae Variant Classification Sherloc (09022015). Collection method: clinical testing. Allele origin: germline.
Comment: This variant has not been reported in the literature in individuals affected with GUCY2D-related conditions. This sequence change replaces valine, which is neutral and non-polar, with leucine, which is neutral and non-polar, at codon 114 of the GUCY2D protein (p.Val114Leu). This variant is not present in population databases (gnomAD no frequency). ClinVar contains an entry for this variant (Variation ID: 1451067). Advanced modeling of protein sequence and biophysical properties (such as structural, functional, and spatial information, amino acid conservation, physicochemical variation, residue mobility, and thermodynamic stability) performed at Invitae indicates that this missense variant is not expected to disrupt GUCY2D protein function. In summary, the available evidence is currently insufficient to determine the role of this variant in disease. Therefore, it has been classified as a Variant of Uncertain Significance.